The following is an entry in ClinVar:

ClinVar aggregate classification (germline): Uncertain significance. Review status: criteria provided, multiple submitters, no conflicts (2 of 4 stars). 2 submissions from 2 submitters: Uncertain significance (2). Last evaluated 2025-08-30.

Conditions:
Inborn genetic diseases. Identifiers: MedGen C0950123, MeSH D030342.

Allele frequency attached by ClinVar (database versions not stated): gnomAD 0.00001 and 0.00002; TOPMed 0.00002.
gnomAD v4.1: 6 of 1,613,888 alleles (0.00037%); highest among the groups gnomAD compares: Non-Finnish European, 0.00042%; no homozygotes.

Submissions (2):

Ambry Genetics
Classification: Uncertain significance for Inborn genetic diseases. Last evaluated: 2025-08-30. Review status: criteria provided, single submitter. Criteria: Ambry Variant Classification Scheme 2023. Collection method: clinical testing. Allele origin: germline.

Labcorp Genetics (formerly Invitae), Labcorp
Classification: Uncertain significance. Last evaluated: 2021-10-12. Review status: criteria provided, single submitter. Criteria: Invitae Variant Classification Sherloc (09022015). Collection method: clinical testing. Allele origin: germline.
Comment: In summary, the available evidence is currently insufficient to determine the role of this variant in disease. Therefore, it has been classified as a Variant of Uncertain Significance. This sequence change replaces asparagine with serine at codon 633 of the CEP63 protein (p.Asn633Ser). The asparagine residue is moderately conserved and there is a small physicochemical difference between asparagine and serine. This variant is not present in population databases (ExAC no frequency). This variant has not been reported in the literature in individuals affected with CEP63-related conditions. Algorithms developed to predict the effect of missense changes on protein structure and function output the following: SIFT: "Tolerated"; PolyPhen-2: "Benign"; Align-GVGD: "Class C0". The serine amino acid residue is found in multiple mammalian species, which suggests that this missense change does not adversely affect protein function.

NM_001353108.3(CEP63):c.1898A>G (p.Asn633Ser)

Gene: CEP63 (centrosomal protein 63; plus strand). Cytogenetic location: 3q22.2.
Variant type: single nucleotide variant.
Coding change: c.1898A>G on transcript NM_001353108.3 (MANE Select); coding-DNA position 1898, A replaced by G.
Protein change: p.Asn633Ser; replaces asparagine 633 with serine.
Molecular consequence: missense variant. On other transcripts: non-coding transcript variant (1), intron variant (17).
Genome position (GRCh38, 1-based): chr3:134,559,374, A>G. VCF-style: chr3-134559374-A-G. GRCh37 (hg19) VCF-style: chr3-134278216-A-G.
Other names: c.1760A>G, p.Asn587Ser (NM_001353109.1); c.1898A>G, p.Asn633Ser (NM_025180.5); c.1467+7362A>G (NM_001353113.1, NM_001353117.2); c.1329+7362A>G (NM_001042384.2, NM_001353124.2, NM_001353123.2); c.1330-2003A>G (NM_001353122.1, NM_001042383.2, NM_001353121.2 and 2 more transcripts); c.1468-2003A>G (NM_001353110.1, NM_001353112.2, NM_001353111.2 and 1 more transcripts); c.1357-2003A>G (NM_001353118.1); c.967-2003A>G (NM_001353126.2); and 2 more; short protein forms N587S, N633S.
Identifiers: ClinVar variation 1441082 (VCV001441082.7), dbSNP rs984044087, ClinGen allele CA83759012.